The following is an entry in ClinVar:

ClinVar aggregate classification (germline): Likely pathogenic (1 of 4 stars; one submission).

Conditions:
Microcephalic osteodysplastic primordial dwarfism type II (MOPD2). Also called: MOPD II; OSTEODYSPLASTIC PRIMORDIAL DWARFISM, TYPE II; Microcephalic osteodysplastic primordial dwarfism with tooth abnormalities. Identifiers: Orphanet 2637, MedGen C0432246, MONDO:0008872, OMIM 210720.

Submission:

Institute of Human Genetics, University of Leipzig Medical Center
Classification: Likely pathogenic for Microcephalic osteodysplastic primordial dwarfism type II. Last evaluated: 2021-12-03. Review status: criteria provided, single submitter. Criteria: ACMG Guidelines, 2015. Collection method: clinical testing. Allele origin: unknown. Affected: yes.
Comment: This variant was identified as homozygous. Criteria applied: PVS1, PM2_Supporting

NM_006031.6:c.(6921+1_6922-1)_(7024+1_7025-1)del

Gene: PCNT (pericentrin; plus strand).
Variant type: Deletion.
Other names: c.(6921+1_6922-1)_(7024+1_7025-1)del (NM_006031.6).
Identifiers: ClinVar variation 1329941 (VCV001329941.1).